The following is an entry in ClinVar:

NM_001206927.2(DNAH8):c.2765A>G (p.Asn922Ser)

Gene: DNAH8 (dynein axonemal heavy chain 8; plus strand). Cytogenetic location: 6p21.2.
Variant type: single nucleotide variant.
Coding change: c.2765A>G on transcript NM_001206927.2 (MANE Select); coding-DNA position 2765, A replaced by G.
Protein change: p.Asn922Ser; replaces asparagine 922 with serine.
Molecular consequence: missense variant.
Genome position (GRCh38, 1-based): chr6:38,790,389, A>G. VCF-style: chr6-38790389-A-G. GRCh37 (hg19) VCF-style: chr6-38758165-A-G.
Other names: c.2114A>G, p.Asn705Ser (NM_001371.4); short protein forms N922S, N705S.
Identifiers: ClinVar variation 2144962 (VCV002144962.4), dbSNP rs2532414753, ClinGen allele CA363990919.

ClinVar aggregate classification (germline): Uncertain significance (1 of 4 stars; one submission).

Conditions:
Primary ciliary dyskinesia. Also called: Ciliary dyskinesia. Identifiers: Orphanet 244, MedGen C0008780, MONDO:0016575, HP:0012265.

Allele frequency attached by ClinVar (database versions not stated): gnomAD exomes below 0.00001.
gnomAD v4.1: 1 of 1,562,582 alleles (0.000064%); highest among the groups gnomAD compares: Non-Finnish European, 0.000088%; no homozygotes.

Submission:

Labcorp Genetics (formerly Invitae), Labcorp
Classification: Uncertain significance for Primary ciliary dyskinesia. Last evaluated: 2022-10-24. Review status: criteria provided, single submitter. Criteria: Invitae Variant Classification Sherloc (09022015). Collection method: clinical testing. Allele origin: germline.
Comment: In summary, the available evidence is currently insufficient to determine the role of this variant in disease. Therefore, it has been classified as a Variant of Uncertain Significance. Algorithms developed to predict the effect of missense changes on protein structure and function output the following: SIFT: "Tolerated"; PolyPhen-2: "Not Available"; Align-GVGD: "Class C0". The serine amino acid residue is found in multiple mammalian species, which suggests that this missense change does not adversely affect protein function. This variant has not been reported in the literature in individuals affected with DNAH8-related conditions. This variant is not present in population databases (gnomAD no frequency). This sequence change replaces asparagine, which is neutral and polar, with serine, which is neutral and polar, at codon 922 of the DNAH8 protein (p.Asn922Ser).